The following is an entry in ClinVar:

ClinVar aggregate classification (germline): Uncertain significance (1 of 4 stars; one submission).

Conditions:
Inborn genetic diseases. Identifiers: MedGen C0950123, MeSH D030342.

gnomAD v4.1: 1 of 1,614,168 alleles (0.000062%); no homozygotes.

Submission:

Ambry Genetics
Classification: Uncertain significance for Inborn genetic diseases. Last evaluated: 2025-02-05. Review status: criteria provided, single submitter. Criteria: Ambry Variant Classification Scheme 2023. Collection method: clinical testing. Allele origin: germline.
Comment: The p.C1159Y variant (also known as c.3476G>A), located in coding exon 35 of the FANCA gene, results from a G to A substitution at nucleotide position 3476. The cysteine at codon 1159 is replaced by tyrosine, an amino acid with highly dissimilar properties. This amino acid position is conserved. In addition, this alteration is predicted to be deleterious by in silico analysis. Based on the available evidence, the clinical significance of this variant remains unclear.

NM_000135.4(FANCA):c.3476G>A (p.Cys1159Tyr)

Gene: FANCA (FA complementation group A; minus strand). Cytogenetic location: 16q24.3.
Variant type: single nucleotide variant.
Coding change: c.3476G>A on transcript NM_000135.4 (MANE Select); coding-DNA position 3476, G replaced by A.
Protein change: p.Cys1159Tyr; replaces cysteine 1159 with tyrosine.
Molecular consequence: missense variant.
Genome position (GRCh38, 1-based): chr16:89,746,621, C>T on the plus strand (G>A on the coding strand, the complement: FANCA is on the minus strand). VCF-style: chr16-89746621-C-T. GRCh37 (hg19) VCF-style: chr16-89813029-C-T.
Other names: c.3476G>A, p.Cys1159Tyr (NM_001286167.3); short protein forms C1159Y.
Identifiers: ClinVar variation 3848188 (VCV003848188.1).